The following is an entry in ClinVar:

ClinVar aggregate classification (germline): Uncertain significance. Review status: criteria provided, multiple submitters, no conflicts (2 of 4 stars). 2 submissions from 2 submitters: Uncertain significance (2). Last evaluated 2025-04-24.

Conditions:
Autosomal recessive nonsyndromic hearing loss 36. Also called: DEAFNESS, AUTOSOMAL RECESSIVE 36, WITH VESTIBULAR INVOLVEMENT; Deafness, autosomal recessive 36. Identifiers: Orphanet 90636, MedGen C1837007, MONDO:0012170, OMIM 609006.

Allele frequency attached by ClinVar (database versions not stated): gnomAD exomes below 0.00001; TOPMed below 0.00001; gnomAD 0.00001; ExAC 0.00004.
gnomAD v4.1: 6 of 1,587,146 alleles (0.00038%); highest among the groups gnomAD compares: African/African-American, 0.0054%; no homozygotes.

Submissions (2):

GeneDx
Classification: Uncertain significance. Last evaluated: 2025-04-24. Review status: criteria provided, single submitter. Criteria: GeneDx Variant Classification Process June 2021. Collection method: clinical testing. Allele origin: germline. Affected: yes.
Comment: In silico analysis supports that this missense variant has a deleterious effect on protein structure/function; Has not been previously published as pathogenic or benign to our knowledge

Neuberg Centre For Genomic Medicine, NCGM
Classification: Uncertain significance for Autosomal recessive nonsyndromic hearing loss 36. Last evaluated: 2023-03-01. Review status: criteria provided, single submitter. Criteria: ACMG Guidelines, 2015. Collection method: clinical testing. Allele origin: germline. Inheritance: Autosomal recessive inheritance. Affected: yes.
Comment: The missense variant c.2263C>T(p.Arg755Cys) in ESPN gene has not been reported previously as a pathogenic variant nor as a benign variant, to our knowledge. The p.Arg755Cys variant is novel (not in any individuals) in 1000 Genomes and has allele frequency of 0.001% in gnomAD exomes database. This variant has not been reported to the ClinVar database. The amino acid change p.Arg755Cys in ESPN is predicted as conserved by GERP++ and PhyloP across 100 vertebrates. The amino acid Arg at position 755 is changed to a Cys changing protein sequence and it might alter its composition and physico-chemical properties. For these reasons, this variant has been classified as Uncertain Significance (VUS). In the absence of another reportable variant in ESPN gene, the molecular diagnosis is not confirmed.

NM_031475.3(ESPN):c.2263C>T (p.Arg755Cys)

Gene: ESPN (espin; plus strand). Cytogenetic location: 1p36.31.
Variant type: single nucleotide variant.
Coding change: c.2263C>T on transcript NM_031475.3 (MANE Select); coding-DNA position 2263, C replaced by T.
Protein change: p.Arg755Cys; replaces arginine 755 with cysteine.
Molecular consequence: missense variant.
Genome position (GRCh38, 1-based): chr1:6,452,034, C>T. VCF-style: chr1-6452034-C-T. GRCh37 (hg19) VCF-style: chr1-6512094-C-T.
Other names: c.2173C>T, p.Arg725Cys (NM_001367473.1); c.2200C>T, p.Arg734Cys (NM_001367474.1); c.2263C>T (NM_031475.2); short protein forms R725C, R734C, R755C.
Identifiers: ClinVar variation 2671695 (VCV002671695.2), dbSNP rs760346147, ClinGen allele CA560439.
Genomic context (GRCh38, chr1:6,452,034, plus strand): 5'-GACGTGGAGGCTCTCATCCCCACGCACGATGAGCAGGGCCGGCCCATCCCCGAGTGGAAG[C>T]GCCAGGTGATGGTGCGCAAGATGCAGCTGAAGATGCAGGAGGAGGAGGAGCAGAGGCGGA-3'
Protein context (NP_113663.2, residues 745-765): EQGRPIPEWK[Arg755Cys]QVMVRKMQLK